The following is an entry in ClinVar:

ClinVar aggregate classification (germline): Conflicting classifications of pathogenicity. Review status: criteria provided, conflicting classifications (1 of 4 stars). 3 submissions from 3 submitters: Uncertain significance (2); Likely benign (1). Last evaluated 2023-03-23.

Conditions:
Hereditary cancer-predisposing syndrome. Also called: Hereditary neoplastic syndrome; Tumor predisposition; Neoplastic Syndromes, Hereditary; Hereditary Cancer Syndrome. Identifiers: Orphanet 140162, MedGen C0027672, MeSH D009386, MONDO:0015356.
Hereditary breast ovarian cancer syndrome. Also called: Hereditary breast and ovarian cancer; Hereditary breast and/or ovarian cancer syndrome; Breast and ovarian cancer; BRCA1- and BRCA2-Associated Hereditary Breast and Ovarian Cancer; Hereditary breast and ovarian cancer syndrome; Hereditary breast and ovarian cancer syndrome (HBOC). Identifiers: Orphanet 145, MedGen C0677776, MeSH D061325, MONDO:0003582. Disease mechanism: loss of function.

Submissions (3):

University of Washington Department of Laboratory Medicine, University of Washington
Classification: Likely benign for Hereditary cancer-predisposing syndrome. Last evaluated: 2023-03-23. Review status: criteria provided, single submitter. Criteria: Dines et al. (Genet Med. 2020). Collection method: curation. Allele origin: germline.
Comment: Missense variant in a coldspot region where missense variants are very unlikely to be pathogenic (PMID:31911673).

BRCA1 coldspot (exon 11 using historical exon numbering). Reclassification based on statistical prior probability

Ambry Genetics
Classification: Uncertain significance for Hereditary cancer-predisposing syndrome. Last evaluated: 2023-02-08. Review status: criteria provided, single submitter. Criteria: Ambry Variant Classification Scheme 2023. Collection method: clinical testing. Allele origin: germline.
Comment: The p.E250D variant (also known as c.750G>C), located in coding exon 9 of the BRCA1 gene, results from a G to C substitution at nucleotide position 750. The glutamic acid at codon 250 is replaced by aspartic acid, an amino acid with highly similar properties. This amino acid position is not well conserved in available vertebrate species. In addition, this alteration is predicted to be deleterious by in silico analysis. Since supporting evidence is limited at this time, the clinical significance of this alteration remains unclear.

Labcorp Genetics (formerly Invitae), Labcorp
Classification: Uncertain significance for Hereditary breast ovarian cancer syndrome. Last evaluated: 2021-10-17. Review status: criteria provided, single submitter. Criteria: Invitae Variant Classification Sherloc (09022015). Collection method: clinical testing. Allele origin: germline.
Comment: This variant has not been reported in the literature in individuals affected with BRCA1-related conditions. In summary, the available evidence is currently insufficient to determine the role of this variant in disease. Therefore, it has been classified as a Variant of Uncertain Significance. Advanced modeling of protein sequence and biophysical properties (such as structural, functional, and spatial information, amino acid conservation, physicochemical variation, residue mobility, and thermodynamic stability) performed at Invitae indicates that this missense variant is not expected to disrupt BRCA1 protein function. This variant is not present in population databases (ExAC no frequency). This sequence change replaces glutamic acid with aspartic acid at codon 250 of the BRCA1 protein (p.Glu250Asp). The glutamic acid residue is moderately conserved and there is a small physicochemical difference between glutamic acid and aspartic acid.

NM_007294.4(BRCA1):c.750G>C (p.Glu250Asp)

Gene: BRCA1 (BRCA1 DNA repair associated; minus strand). Cytogenetic location: 17q21.31.
Variant type: single nucleotide variant.
Coding change: c.750G>C on transcript NM_007294.4 (MANE Select); coding-DNA position 750, G replaced by C.
Protein change: p.Glu250Asp; replaces glutamic acid 250 with aspartic acid.
Molecular consequence: missense variant. On other transcripts: non-coding transcript variant (1).
Genome position (GRCh38, 1-based): chr17:43,094,781, C>G on the plus strand (G>C on the coding strand, the complement: BRCA1 is on the minus strand). VCF-style: chr17-43094781-C-G. GRCh37 (hg19) VCF-style: chr17-41246798-C-G.
Other names: c.540G>C, p.Glu180Asp (NM_001407910.1, NM_001408478.1, NM_001408479.1 and 25 more transcripts); c.537G>C, p.Glu179Asp (NM_001407915.1, NM_001407916.1, NM_001407917.1 and 12 more transcripts); c.627G>C, p.Glu209Asp (NM_001407919.1, NM_001407937.1, NM_001407938.1 and 34 more transcripts); c.486G>C, p.Glu162Asp (NM_001407920.1, NM_001407921.1, NM_001407922.1 and 15 more transcripts); c.483G>C, p.Glu161Asp (NM_001407930.1, NM_001407931.1, NM_001407932.1 and 5 more transcripts); c.624G>C, p.Glu208Asp (NM_001407940.1, NM_001407941.1, NM_001408432.1 and 20 more transcripts); c.609G>C, p.Glu203Asp (NM_001407942.1, NM_001407944.1, NM_001407945.1 and 43 more transcripts); c.606G>C, p.Glu202Asp (NM_001407943.1, NM_001407964.1, NM_001408462.1 and 26 more transcripts); and 14 more; short protein forms E250D, E203D, E122D, E138D, E183D, E224D, E247D, E139D.
Identifiers: ClinVar variation 1345271 (VCV001345271.11), dbSNP rs762867923, ClinGen allele CA10600584.